The following is an entry in ClinVar:

NM_018133.4(MSL2):c.1479T>A (p.Cys493Ter)

Gene: MSL2 (MSL complex subunit 2; minus strand). Cytogenetic location: 3q22.3.
Variant type: single nucleotide variant.
Coding change: c.1479T>A on transcript NM_018133.4 (MANE Select); coding-DNA position 1479, T replaced by A.
Protein change: p.Cys493Ter; replaces cysteine 493 with a stop codon.
Molecular consequence: nonsense.
Genome position (GRCh38, 1-based): chr3:136,151,402, A>T on the plus strand (T>A on the coding strand, the complement: MSL2 is on the minus strand). VCF-style: chr3-136151402-A-T. GRCh37 (hg19) VCF-style: chr3-135870244-A-T.
Other names: c.1257T>A, p.Cys419Ter (NM_001145417.2); short protein forms C493*, C419*.
Identifiers: ClinVar variation 3702150 (VCV003702150.2).

ClinVar aggregate classification (germline): Pathogenic (1 of 4 stars; one submission).

Submission:

Labcorp Genetics (formerly Invitae), Labcorp
Classification: Pathogenic. Last evaluated: 2024-12-18. Review status: criteria provided, single submitter. Criteria: Invitae Variant Classification Sherloc (09022015). Collection method: clinical testing. Allele origin: germline.
Comment: This sequence change creates a premature translational stop signal (p.Cys493*) in the MSL2 gene. While this is not anticipated to result in nonsense mediated decay, it is expected to disrupt the last 85 amino acid(s) of the MSL2 protein. This variant is not present in population databases (gnomAD no frequency). This premature translational stop signal has been observed in individual(s) with a neurodevelopmental disorder (internal data). In at least one individual the variant was observed to be de novo. Experimental studies and prediction algorithms are not available or were not evaluated, and the functional significance of this variant is currently unknown. For these reasons, this variant has been classified as Pathogenic.